The following is an entry in ClinVar:

ClinVar aggregate classification (germline): Likely benign. Review status: criteria provided, multiple submitters, no conflicts (2 of 4 stars). 3 submissions from 3 submitters: Likely benign (2). 1 of the submissions does not count toward it. Last evaluated 2025-12-21.

Conditions:
KMT2D-related disorder. Also called: KMT2D-Related Disorders.
Kabuki syndrome. Also called: NIIKAWA-KUROKI SYNDROME; Kabuki make-up syndrome. Identifiers: Orphanet 2322, MedGen C0796004, MONDO:0016512.

Allele frequency attached by ClinVar (database versions not stated): ExAC 0.00003; gnomAD 0.00003; gnomAD exomes 0.00004 and 0.00008; TOPMed 0.00004.
gnomAD v4.1: 119 of 1,613,306 alleles (0.0074%); highest among the groups gnomAD compares: Non-Finnish European, 0.01%; no homozygotes.

Submissions (3):

Labcorp Genetics (formerly Invitae), Labcorp
Classification: Likely benign for Kabuki syndrome. Last evaluated: 2025-12-21. Review status: criteria provided, single submitter. Criteria: Invitae Variant Classification Sherloc (09022015). Collection method: clinical testing. Allele origin: germline.

CeGaT Center for Human Genetics Tuebingen
Classification: Likely benign. Last evaluated: 2025-01-01. Review status: criteria provided, single submitter. Criteria: CeGaT Center For Human Genetics Tuebingen Variant Classification Criteria Version 2. Collection method: clinical testing. Allele origin: germline. Affected: yes. Observed: 2 variant alleles.
Comment: KMT2D: BP4

PreventionGenetics, part of Exact Sciences
Classification: Likely benign for KMT2D-related condition. Last evaluated: 2022-11-11. Review status: no assertion criteria provided. Collection method: clinical testing. Allele origin: germline. Not counted in ClinVar's aggregate classification.
Comment: This variant is classified as likely benign based on ACMG/AMP sequence variant interpretation guidelines (Richards et al. 2015 PMID: 25741868, with internal and published modifications).

NM_003482.4(KMT2D):c.7012G>A (p.Val2338Ile)

Gene: KMT2D (lysine methyltransferase 2D; minus strand). Cytogenetic location: 12q13.12.
Variant type: single nucleotide variant.
Coding change: c.7012G>A on transcript NM_003482.4 (MANE Select); coding-DNA position 7012, G replaced by A.
Protein change: p.Val2338Ile; replaces valine 2338 with isoleucine.
Molecular consequence: missense variant.
Genome position (GRCh38, 1-based): chr12:49,040,758, C>T on the plus strand (G>A on the coding strand, the complement: KMT2D is on the minus strand). VCF-style: chr12-49040758-C-T. GRCh37 (hg19) VCF-style: chr12-49434541-C-T.
Other names: short protein forms V2338I.
Identifiers: ClinVar variation 777068 (VCV000777068.27), dbSNP rs751524258, ClinGen allele CA6547140.